The following is an entry in ClinVar:

NM_005120.3(MED12):c.1253G>A (p.Arg418His)

Gene: MED12 (mediator complex subunit 12; plus strand). Cytogenetic location: Xq13.1.
Variant type: single nucleotide variant.
Coding change: c.1253G>A on transcript NM_005120.3 (MANE Select); coding-DNA position 1253, G replaced by A.
Protein change: p.Arg418His; replaces arginine 418 with histidine.
Molecular consequence: missense variant.
Genome position (GRCh38, 1-based): chrX:71,122,512, G>A. VCF-style: chrX-71122512-G-A. GRCh37 (hg19) VCF-style: chrX-70342362-G-A.
Other names: short protein forms R418H.
Identifiers: ClinVar variation 588961 (VCV000588961.9), dbSNP rs1431487428, ClinGen allele CA413505803.

ClinVar aggregate classification (germline): Uncertain significance. Review status: criteria provided, multiple submitters, no conflicts (2 of 4 stars). 3 submissions from 3 submitters: Uncertain significance (3). Last evaluated 2025-10-23.

Conditions:
FG syndrome (FGS). Identifiers: MedGen C0220769, MONDO:0002010.
Familial thoracic aortic aneurysm and aortic dissection (TAAD). Also called: Thoracic aortic aneurysms and dissections. Identifiers: Orphanet 91387, MedGen C4707243, MONDO:0019625.

Allele frequency attached by ClinVar (database versions not stated): gnomAD exomes below 0.00001; gnomAD 0.00001; TOPMed 0.00001.
gnomAD v4.1: 3 of 1,208,548 alleles (0.00025%); highest among the groups gnomAD compares: Non-Finnish European, 0.00034%; no homozygotes.

Submissions (3):

Labcorp Genetics (formerly Invitae), Labcorp
Classification: Uncertain significance for FG syndrome. Last evaluated: 2025-10-23. Review status: criteria provided, single submitter. Criteria: Invitae Variant Classification Sherloc (09022015). Collection method: clinical testing. Allele origin: germline.
Comment: This sequence change replaces arginine, which is basic and polar, with histidine, which is basic and polar, at codon 418 of the MED12 protein (p.Arg418His). This variant is not present in population databases (gnomAD no frequency). This variant has not been reported in the literature in individuals affected with MED12-related conditions. ClinVar contains an entry for this variant (Variation ID: 588961). Invitae Evidence Modeling of protein sequence and biophysical properties (such as structural, functional, and spatial information, amino acid conservation, physicochemical variation, residue mobility, and thermodynamic stability) indicates that this missense variant is expected to disrupt MED12 protein function with a positive predictive value of 80%. In summary, the available evidence is currently insufficient to determine the role of this variant in disease. Therefore, it has been classified as a Variant of Uncertain Significance.

Ambry Genetics
Classification: Uncertain significance for Familial thoracic aortic aneurysm and aortic dissection. Last evaluated: 2023-09-20. Review status: criteria provided, single submitter. Criteria: Ambry Variant Classification Scheme 2023. Collection method: clinical testing. Allele origin: germline.

GeneDx
Classification: Uncertain significance. Last evaluated: 2023-02-10. Review status: criteria provided, single submitter. Criteria: GeneDx Variant Classification Process June 2021. Collection method: clinical testing. Allele origin: germline. Affected: yes.
Comment: Not observed at significant frequency in large population cohorts (gnomAD); In silico analysis supports that this missense variant has a deleterious effect on protein structure/function; Has not been previously published as pathogenic or benign to our knowledge